The following is an entry in ClinVar:

NM_014159.7(SETD2):c.1412G>A (p.Arg471Lys)

Gene: SETD2 (SET domain containing 2, histone lysine methyltransferase; minus strand). Cytogenetic location: 3p21.31.
Variant type: single nucleotide variant.
Coding change: c.1412G>A on transcript NM_014159.7 (MANE Select); coding-DNA position 1412, G replaced by A.
Protein change: p.Arg471Lys; replaces arginine 471 with lysine.
Molecular consequence: missense variant. On other transcripts: non-coding transcript variant (1).
Genome position (GRCh38, 1-based): chr3:47,123,224, C>T on the plus strand (G>A on the coding strand, the complement: SETD2 is on the minus strand). VCF-style: chr3-47123224-C-T. GRCh37 (hg19) VCF-style: chr3-47164714-C-T.
Other names: c.1280G>A, p.Arg427Lys (NM_001349370.3); short protein forms R427K, R471K.
Identifiers: ClinVar variation 840538 (VCV000840538.31), dbSNP rs191313431, ClinGen allele CA2363692.

ClinVar aggregate classification (germline): Benign/Likely benign. Review status: criteria provided, multiple submitters, no conflicts (2 of 4 stars). 4 submissions from 4 submitters: Benign (1); Likely benign (2). 1 of the submissions does not count toward it. Last evaluated 2025-05-28.

Conditions:
SETD2-related disorder.
Luscan-Lumish syndrome. Identifiers: Orphanet 597738, MedGen C4085873, MONDO:0014791, OMIM 616831.
Inborn genetic diseases. Identifiers: MedGen C0950123, MeSH D030342.

Allele frequency attached by ClinVar (database versions not stated): ExAC 0.00012; 1000 Genomes Project 30x 0.00016; gnomAD exomes 0.00016 and 0.00035; TOPMed 0.00016; gnomAD 0.00019 and 0.00021; 1000 Genomes Project 0.00020; ESP Exome Variant Server 0.00022.
gnomAD v4.1: 517 of 1,563,948 alleles (0.033%); highest among the groups gnomAD compares: Non-Finnish European, 0.043%; no homozygotes.

Submissions (4):

Labcorp Genetics (formerly Invitae), Labcorp
Classification: Benign for Luscan-Lumish syndrome. Last evaluated: 2025-05-28. Review status: criteria provided, single submitter. Criteria: Invitae Variant Classification Sherloc (09022015). Collection method: clinical testing. Allele origin: germline.

Ambry Genetics
Classification: Likely benign for Inborn genetic diseases. Last evaluated: 2024-11-20. Review status: criteria provided, single submitter. Criteria: Ambry Variant Classification Scheme 2023. Collection method: clinical testing. Allele origin: germline.

CeGaT Center for Human Genetics Tuebingen
Classification: Likely benign. Last evaluated: 2022-05-01. Review status: criteria provided, single submitter. Criteria: CeGaT Center For Human Genetics Tuebingen Variant Classification Criteria Version 2. Collection method: clinical testing. Allele origin: germline. Affected: yes. Observed: 1 variant allele.
Comment: SETD2: BP4

PreventionGenetics, part of Exact Sciences
Classification: Benign for SETD2-related condition. Last evaluated: 2024-08-14. Review status: no assertion criteria provided. Collection method: clinical testing. Allele origin: germline. Not counted in ClinVar's aggregate classification.
Comment: This variant is classified as benign based on ACMG/AMP sequence variant interpretation guidelines (Richards et al. 2015 PMID: 25741868, with internal and published modifications).